The following is an entry in ClinVar:

ClinVar aggregate classification (germline): Conflicting classifications of pathogenicity. Review status: criteria provided, conflicting classifications (1 of 4 stars). 14 submissions from 12 submitters: Uncertain significance (2); Benign (2); Likely benign (9). 1 of the submissions does not count toward it. Last evaluated 2026-01-28.

Conditions:
DSP-related disorder. Also called: DSP-related disorders; DSP-related condition.
Cardiovascular phenotype. Identifiers: MedGen CN230736.
Arrhythmogenic cardiomyopathy with wooly hair and keratoderma. Also called: Carvajal syndrome; Dilated cardiomyopathy with woolly hair and keratoderma; PALMOPLANTAR KERATODERMA WITH LEFT VENTRICULAR CARDIOMYOPATHY AND WOOLLY HAIR; Arrhythmogenic cardiomyopathy with woolly hair and keratoderma. Identifiers: Orphanet 65282, MedGen C1854063, MONDO:0011581, OMIM 605676.
Arrhythmogenic right ventricular dysplasia 8 (ARVD8). Also called: Arrhythmogenic Right Ventricular Dysplasia/Cardiomyopathy 8; ARRHYTHMOGENIC RIGHT VENTRICULAR DYSPLASIA, FAMILIAL, 8; ARRHYTHMOGENIC RIGHT VENTRICULAR CARDIOMYOPATHY 8. Identifiers: MedGen C1843896, MONDO:0011831, OMIM 607450.
Cardiomyopathy (CMYO). Also called: Cardiomyopathies. Identifiers: Orphanet 167848, MedGen C0878544, MONDO:0004994, HP:0001638. Inheritance: Various modes of inheritance.
Lethal acantholytic epidermolysis bullosa (EBLA). Identifiers: Orphanet 158687, MedGen C1864826, MONDO:0012323, OMIM 609638.
Woolly hair-skin fragility syndrome (WHSF). Identifiers: Orphanet 293165, MedGen C1843292, MONDO:0957307, OMIM 620415.

Allele frequency attached by ClinVar (database versions not stated): gnomAD exomes 0.00016 and 0.00071; gnomAD 0.00018 and 0.00027; TOPMed 0.00028; ExAC 0.00068; 1000 Genomes Project 30x 0.00078; 1000 Genomes Project 0.00100.
gnomAD v4.1: 304 of 1,613,836 alleles (0.019%); highest among the groups gnomAD compares: East Asian, 0.54%; 1 homozygote.

Submissions (14):

Labcorp Genetics (formerly Invitae), Labcorp
Classification: Benign for Arrhythmogenic cardiomyopathy with wooly hair and keratoderma; Arrhythmogenic right ventricular dysplasia 8. Last evaluated: 2026-01-28. Review status: criteria provided, single submitter. Criteria: Invitae Variant Classification Sherloc (09022015). Collection method: clinical testing. Allele origin: germline.

Blueprint Genetics
Classification: Likely benign. Last evaluated: 2024-10-16. Review status: criteria provided, single submitter. Criteria: ACMG Guidelines, 2015. Collection method: clinical testing. Allele origin: germline.

ARUP Laboratories, Molecular Genetics and Genomics, ARUP Laboratories
Classification: Likely benign. Last evaluated: 2024-07-25. Review status: criteria provided, single submitter. Criteria: ARUP Molecular Germline Variant Investigation Process 2024. Collection method: clinical testing. Allele origin: germline.

CHEO Genetics Diagnostic Laboratory, Children's Hospital of Eastern Ontario
Classification: Likely benign for Cardiomyopathy. Last evaluated: 2023-05-16. Review status: criteria provided, single submitter. Criteria: ACMG Guidelines, 2015. Collection method: clinical testing. Allele origin: germline.

GeneDx
Classification: Likely benign. Last evaluated: 2020-10-02. Review status: criteria provided, single submitter. Criteria: GeneDx Variant Classification Process June 2021. Collection method: clinical testing. Allele origin: germline. Affected: yes.
Comment: This variant is associated with the following publications: (PMID: 21606396, 32466575, 22995991, 25691752, 25616645, 21606390, 26585738, 25856671, 26332594, 20152563, 16917092, 30897878, 31402444)

Ambry Genetics
Classification: Likely benign for Cardiovascular phenotype. Last evaluated: 2019-05-17. Review status: criteria provided, single submitter. Criteria: Ambry Variant Classification Scheme 2023. Collection method: clinical testing. Allele origin: germline.

Women's Health and Genetics/Laboratory Corporation of America, LabCorp
Classification: Likely benign. Last evaluated: 2018-12-26. Review status: criteria provided, single submitter. Criteria: LabCorp Variant Classification Summary - May 2015. Collection method: clinical testing. Allele origin: germline.
Comment: Variant summary: DSP c.269A>G (p.Gln90Arg) results in a conservative amino acid change located in the JUP/PKP binding domain (Yang_2006) of the encoded protein sequence. Three of five in-silico tools predict a benign effect of the variant on protein function. The variant allele was found at a frequency of 0. 0.00072 in 281004control chromosomes, predominantly within the East Asian subpopulation at a frequency of 0.0092 including 1 homozygote (gnomAD and publication data). The observed variant frequency within East Asian control individuals in the gnomAD database is approximately 46-fold of the estimated maximal expected allele frequency for a pathogenic variant in DSP causing Arrhythmogenic Right Ventricular Dysplasia/Cardiomyopathy phenotype (0.0002), strongly suggesting that the variant is a benign polymorphism found primarily in populations of East Asian origin. The variant, c.269A>G, has been reported in the literature in individuals affected with Arrhythmogenic Right Ventricular Dysplasia/Cardiomyopathy and sudden death but also in controls (Yang_2006, Zhang_2016, Cox_2011). Co-occurrences with other pathogenic variant(s) have been reported (c.1211dupT (p.Val406fsX4)), providing supporting evidence for a benign role (Xu_2010, Cox_2011). One publication reports experimental evidence showing that the variant protein was mainly detected in the cytoplasm and did not accumulate at cell membranes (or cell junctions), with two transgenic founder mice showing severely reduced ventricular wall thickness (Yang_2006). Another study showed that this variant does not affect the binding of the iASPP protein (Notari_2015). The clinical significance of these in-vitro and in-vivo studies is not clear. Five clinical diagnostic laboratories have submitted clinical-significance assessments for this variant to ClinVar after 2014 without evidence for independent evaluation. Multiple laboratories reported the variant with conflicting assessments (VUS x3, likely benign x1, benign x1). Based on the evidence outlined above, the variant was classified as likely benign.

Color Diagnostics, LLC DBA Color Health
Classification: Benign for Cardiomyopathy. Last evaluated: 2018-07-02. Review status: criteria provided, single submitter. Criteria: ACMG Guidelines, 2015. Collection method: clinical testing. Allele origin: germline.

Illumina Laboratory Services, Illumina
Classification: Likely benign for Lethal acantholytic epidermolysis bullosa. Last evaluated: 2017-04-27. Review status: criteria provided, single submitter. Criteria: ICSL Variant Classification Criteria 13 December 2019. Collection method: clinical testing. Allele origin: germline.
Comment: This variant was observed as part of a predisposition screen in an ostensibly healthy population. A literature search was performed for the gene, cDNA change, and amino acid change (where applicable). No publications were found based on this search. Allele frequency data from public databases allowed determination this variant is unlikely to cause disease. Therefore, this variant is classified as likely benign.

Illumina Laboratory Services, Illumina
Classification: Likely benign for Arrhythmogenic right ventricular dysplasia 8. Last evaluated: 2017-04-27. Review status: criteria provided, single submitter. Criteria: ICSL Variant Classification Criteria 13 December 2019. Collection method: clinical testing. Allele origin: germline.
Comment: the same text as in the submission from Illumina Laboratory Services, Illumina above.

Illumina Laboratory Services, Illumina
Classification: Likely benign for Arrhythmogenic cardiomyopathy with wooly hair and keratoderma. Last evaluated: 2017-04-27. Review status: criteria provided, single submitter. Criteria: ICSL Variant Classification Criteria 13 December 2019. Collection method: clinical testing. Allele origin: germline.
Comment: the same text as in the submission from Illumina Laboratory Services, Illumina above.

Stanford Center for Inherited Cardiovascular Disease, Stanford University
Classification: Uncertain significance. Last evaluated: 2015-09-21. Review status: criteria provided, single submitter. Criteria: ACMG Guidelines, 2015. Collection method: provider interpretation. Allele origin: germline.

Laboratory for Molecular Medicine, Mass General Brigham Personalized Medicine
Classification: Uncertain significance. Last evaluated: 2015-02-18. Review status: criteria provided, single submitter. Criteria: LMM Criteria. Collection method: clinical testing. Allele origin: germline. Observed: 2 variant alleles.
Comment: Variant classified as Uncertain Significance - Favor Benign. The p.Gln90Arg vari ant in DSP has been identified in 0.9% (75/8002) of East Asian chromosomes by th e Exome Aggregation Consortium (ExAC; dbSNP rs18 8516326). At this frequency a disease causing role is highly unlikely. However, published data appears to favor a role in disease although there is some concer n regarding the validity of the claims made by the authors. This variant has bee n reported in at least 1 individual with ARVC who carried a frameshift variant i n PKP2 that would be expected to contribute to disease (Yang 2006, Xu 2010, Cox 2011 - note that there is some suspicion that the same individual was reported b y all 3 studies). One of these studies claimed de novo occurrence of the p.Gln90 Arg variant (without providing information on verification of paternity) and dis qualified the (more convincing) PKP2 variant based on its presence in two unaffe cted relatives (Xu 2010). In vitro functional studies showed that this variant may impact protein function (Yang 2006), though this type of assay may not accur ately represent biological function. In summary, the frequency of the p.Gln90Arg variant strongly suggests that it is more likely to be benign; however, due to the strongly conflicting published data additional information is needed to ful ly assess its clinical significance.

PreventionGenetics, part of Exact Sciences
Classification: Likely benign for DSP-related condition. Last evaluated: 2022-10-11. Review status: no assertion criteria provided. Collection method: clinical testing. Allele origin: germline. Not counted in ClinVar's aggregate classification.
Comment: This variant is classified as likely benign based on ACMG/AMP sequence variant interpretation guidelines (Richards et al. 2015 PMID: 25741868, with internal and published modifications).

Literature cited by the submitters: PubMed 16917092 (cited by 3 submitters); PubMed 20152563 (cited by 3 submitters); PubMed 21606396 (cited by 3 submitters); PubMed 22995991 (cited by Ambry Genetics); PubMed 25820315 (cited by Ambry Genetics); PubMed 25856671 (cited by Ambry Genetics); PubMed 26332594 (cited by Ambry Genetics and Women's Health and Genetics/Laboratory Corporation of America, LabCorp); PubMed 26585738 (cited by Ambry Genetics); PubMed 27707468 (cited by Ambry Genetics and Women's Health and Genetics/Laboratory Corporation of America, LabCorp); PubMed 25691752 (cited by Women's Health and Genetics/Laboratory Corporation of America, LabCorp).

NM_004415.4(DSP):c.269A>G (p.Gln90Arg)

Gene: DSP (desmoplakin; plus strand). Cytogenetic location: 6p24.3.
Variant type: single nucleotide variant.
Coding change: c.269A>G on transcript NM_004415.4 (MANE Select); coding-DNA position 269, A replaced by G.
Protein change: p.Gln90Arg; replaces glutamine 90 with arginine.
Molecular consequence: missense variant.
Genome position (GRCh38, 1-based): chr6:7,555,816, A>G. VCF-style: chr6-7555816-A-G. GRCh37 (hg19) VCF-style: chr6-7556049-A-G.
Other names: p.Q90R:CAG>CGG; c.269A>G, p.Gln90Arg (NM_001008844.3, NM_001319034.2); c.269A>G (NM_004415.3); short protein forms Q90R.
Identifiers: ClinVar variation 163236 (VCV000163236.32), dbSNP rs188516326, ClinGen allele CA005503.
Genomic context (GRCh38, chr6:7,555,816, plus strand): 5'-CCATCCAGGAGCTGCTGCAGAACTGCTCCGACTGCTTGATGCGAGCAGAGCTCATCGTGC[A>G]GCCTGTAAGCTTTCCCTGTTCCCATCGCTTCTCCCAAAGCCTTGGCCACACCCGACTGTC-3'
Protein context (NP_004406.2, residues 80-100): DCLMRAELIV[Gln90Arg]PELKYGDGIQ